The following is an entry in ClinVar:

ClinVar aggregate classification (germline): Uncertain significance (1 of 4 stars; one submission).

gnomAD v4.1: 1 of 1,584,622 alleles (0.000063%); highest among the groups gnomAD compares: African/African-American, 0.0014%; no homozygotes.

Submission:

Dasa
Classification: Uncertain significance. Last evaluated: 2025-03-01. Review status: criteria provided, single submitter. Criteria: DASA Assertion Criteria. Collection method: clinical testing. Allele origin: germline.
Comment: NM_005121.3(MED13):c.2264A>T (p.Asp755Val) is a missense variant that results in the substitution of aspartic acid with valine. This variant is rare in population databases. The currently available literature and clinical evidence are not sufficient to establish a definitive association between this variant and the reported condition. Therefore, this variant is classified as a variant of uncertain significance.

NM_005121.3(MED13):c.2264A>T (p.Asp755Val)

Gene: MED13 (mediator complex subunit 13; minus strand). Cytogenetic location: 17q23.2.
Variant type: single nucleotide variant.
Coding change: c.2264A>T on transcript NM_005121.3 (MANE Select); coding-DNA position 2264, A replaced by T.
Protein change: p.Asp755Val; replaces aspartic acid 755 with valine.
Molecular consequence: missense variant.
Genome position (GRCh38, 1-based): chr17:61,987,128, T>A on the plus strand (A>T on the coding strand, the complement: MED13 is on the minus strand). VCF-style: chr17-61987128-T-A. GRCh37 (hg19) VCF-style: chr17-60064489-T-A.
Other names: short protein forms D755V.
Identifiers: ClinVar variation 4883313 (VCV004883313.2).
Genomic context (GRCh38, chr17:61,987,128, plus strand): 5'-TCTGAGTCATAAATCAAACTTGTTGATGGAGGACGGGCATGACTAGTAGGGCGTGGAGCA[T>A]CTACAAAAGTCAATCAGAAAAATAAAATTAAAACTGCTACTACTATGCCTGTAATCCCAG-3'
Protein context (NP_005112.2, residues 745-765): MSLFSPSIKQ[Asp755Val]APRPTSHARP